The following is an entry in ClinVar:

ClinVar aggregate classification (germline): Conflicting classifications of pathogenicity. Review status: criteria provided, conflicting classifications (1 of 4 stars). 2 submissions from 2 submitters: Likely pathogenic (1); Uncertain significance (1). Last evaluated 2021-12-20.

Conditions:
Hereditary cancer-predisposing syndrome. Also called: Tumor predisposition; Hereditary neoplastic syndrome; Neoplastic Syndromes, Hereditary; Hereditary Cancer Syndrome. Identifiers: Orphanet 140162, MedGen C0027672, MeSH D009386, MONDO:0015356.

Submissions (2):

Ambry Genetics
Classification: Likely pathogenic for Hereditary cancer-predisposing syndrome. Last evaluated: 2021-12-20. Review status: criteria provided, single submitter. Criteria: Ambry Variant Classification Scheme 2023. Collection method: clinical testing. Allele origin: germline.
Comment: The p.C503Y variant (also known as c.1508G>A), located in coding exon 11 of the BMPR1A gene, results from a G to A substitution at nucleotide position 1508. The cysteine at codon 503 is replaced by tyrosine, an amino acid with highly dissimilar properties. Based on an internal structural analysis, this variant is anticipated to result in a significant decrease in structural stability. This variant is considered to be rare based on population cohorts in the Genome Aggregation Database (gnomAD). This amino acid position is highly conserved in available vertebrate species. In addition, this alteration is predicted to be deleterious by in silico analysis. Based on the majority of available evidence to date, this variant is likely to be pathogenic.

University of Washington Department of Laboratory Medicine, University of Washington
Classification: Uncertain significance for Hereditary cancer-predisposing syndrome. Last evaluated: 2015-11-20. Review status: criteria provided, single submitter. Criteria: Shirts et al. (Genet Med 2016). Collection method: clinical testing. Allele origin: germline. Affected: yes. Observed: 1 variant allele.

Literature cited by the submitters: PubMed 26845104 (cited by Ambry Genetics).

NM_004329.3(BMPR1A):c.1508G>A (p.Cys503Tyr)

Gene: BMPR1A (bone morphogenetic protein receptor type 1A; plus strand). Cytogenetic location: 10q23.2.
Variant type: single nucleotide variant.
Coding change: c.1508G>A on transcript NM_004329.3 (MANE Select); coding-DNA position 1508, G replaced by A.
Protein change: p.Cys503Tyr; replaces cysteine 503 with tyrosine.
Molecular consequence: missense variant.
Genome position (GRCh38, 1-based): chr10:86,923,628, G>A. VCF-style: chr10-86923628-G-A. GRCh37 (hg19) VCF-style: chr10-88683385-G-A.
Other names: short protein forms C503Y.
Identifiers: ClinVar variation 224561 (VCV000224561.8), dbSNP rs869312790, ClinGen allele CA353531.
Genomic context (GRCh38, chr10:86,923,628, plus strand): 5'-TCACTGAACATCTCTTTACTTTTCAGTGTCTACGAGCAGTTTTGAAGCTAATGTCAGAAT[G>A]CTGGGCCCACAATCCAGCCTCCAGACTCACAGCATTGAGAATTAAGAAGACGCTTGCCAA-3'
Protein context (NP_004320.2, residues 493-513): LRAVLKLMSE[Cys503Tyr]WAHNPASRLT